The following is an entry in ClinVar:

ClinVar aggregate classification (germline): Likely benign (1 of 4 stars; one submission).

gnomAD v4.1: 4 of 1,549,426 alleles (0.00026%); highest among the groups gnomAD compares: Non-Finnish European, 0.00026%; no homozygotes.

Submission:

Women's Health and Genetics/Laboratory Corporation of America, LabCorp
Classification: Likely benign. Last evaluated: 2025-05-13. Review status: criteria provided, single submitter. Criteria: LabCorp Variant Classification Summary - May 2015. Collection method: clinical testing. Allele origin: germline.
Comment: Variant summary: CERT1 c.86+13A>T alters a nucleotide located at a position not widely known to affect splicing. Consensus agreement among computation tools predict no significant impact on normal splicing. However, these predictions have yet to be confirmed by functional studies. The variant was absent in 31348 control chromosomes. The available data on variant occurrences in the general population are insufficient to allow any conclusion about variant significance. To our knowledge, no occurrence of c.86+13A>T in individuals affected with Intellectual Disability, Autosomal Dominant 34 and no experimental evidence demonstrating its impact on protein function have been reported. No submitters have cited clinical-significance assessments for this variant to ClinVar. Based on the evidence outlined above, the variant was classified as likely benign.

NM_001130105.1(CERT1):c.86+13A>T

Genes: CERT1 (ceramide transporter 1; minus strand), POLK (DNA polymerase kappa; plus strand). Cytogenetic location: 5q13.3.
Variant type: single nucleotide variant.
Coding change: c.86+13A>T on transcript NM_001130105.1; 13 bases into the intron after coding-DNA position 86, A replaced by T.
Molecular consequence: intron variant.
Genome position (GRCh38, 1-based): chr5:75,511,746, T>A on the plus strand (A>T on the coding strand, the complement: CERT1 is on the minus strand). VCF-style: chr5-75511746-T-A. GRCh37 (hg19) VCF-style: chr5-74807571-T-A.
Identifiers: ClinVar variation 3902273 (VCV003902273.1).
Genomic context (GRCh38, chr5:75,511,746, plus strand): 5'-CTCCCCGCCCCGTCCCCCTCCCGGCGTCTGACGCGACACGCCGAGCCTTCGGGATCCTCC[T>A]CCCGAACCCTACCTCCGGCTCTCCCGGGTGACGACGGGTAGAAAAGCAGGAGGAGCGGAG-3'